The following is an entry in ClinVar:

ClinVar aggregate classification (germline): Conflicting classifications of pathogenicity. Review status: criteria provided, conflicting classifications (1 of 4 stars). 2 submissions from 2 submitters: Uncertain significance (1); Likely benign (1). Last evaluated 2025-10-15.

Conditions:
Inborn genetic diseases. Identifiers: MedGen C0950123, MeSH D030342.

gnomAD v4.1: 1 of 1,613,592 alleles (0.000062%); no homozygotes.

Submissions (2):

Ambry Genetics
Classification: Likely benign for Inborn genetic diseases. Last evaluated: 2025-10-15. Review status: criteria provided, single submitter. Criteria: Ambry Variant Classification Scheme 2023. Collection method: clinical testing. Allele origin: germline.

Women's Health and Genetics/Laboratory Corporation of America, LabCorp
Classification: Uncertain significance. Last evaluated: 2024-05-16. Review status: criteria provided, single submitter. Criteria: LabCorp Variant Classification Summary - May 2015. Collection method: clinical testing. Allele origin: germline.
Comment: Variant summary: JPH3 c.2189T>C (p.Val730Ala) results in a non-conservative amino acid change in the encoded protein sequence. Three of five in-silico tools predict a benign effect of the variant on protein function. The variant was absent in 250992 control chromosomes. The available data on variant occurrences in the general population are insufficient to allow any conclusion about variant significance. To our knowledge, no occurrence of c.2189T>C in individuals affected with Huntington Disease-Like 2 and no experimental evidence demonstrating its impact on protein function have been reported. No submitters have cited clinical-significance assessments for this variant to ClinVar. Based on the evidence outlined above, the variant was classified as uncertain significance.

NM_020655.4(JPH3):c.2189T>C (p.Val730Ala)

Gene: JPH3 (junctophilin 3; plus strand). Cytogenetic location: 16q24.2.
Variant type: single nucleotide variant.
Coding change: c.2189T>C on transcript NM_020655.4 (MANE Select); coding-DNA position 2189, T replaced by C.
Protein change: p.Val730Ala; replaces valine 730 with alanine.
Molecular consequence: missense variant. On other transcripts: non-coding transcript variant (1).
Genome position (GRCh38, 1-based): chr16:87,696,602, T>C. VCF-style: chr16-87696602-T-C. GRCh37 (hg19) VCF-style: chr16-87730208-T-C.
Other names: c.2189T>C (NM_020655.2); short protein forms V730A.
Identifiers: ClinVar variation 3336551 (VCV003336551.2).